The following is an entry in ClinVar:

ClinVar aggregate classification (germline): Uncertain significance (1 of 4 stars; one submission).

Conditions:
Hereditary spastic paraplegia 7 (SPG7). Also called: SPG7-related neurologic disorder; Spastic paraplegia 7; Hereditary spastic paraplegia Paraplegin type; Autosomal recessive spastic paraplegia type 7; SPASTIC PARAPLEGIA 7, AUTOSOMAL RECESSIVE, WITH OR WITHOUT CEREBELLAR ATAXIA. Identifiers: Orphanet 99013, MedGen C1846564, MONDO:0011803, OMIM 607259.

Submission:

Labcorp Genetics (formerly Invitae), Labcorp
Classification: Uncertain significance for Hereditary spastic paraplegia 7. Last evaluated: 2022-10-18. Review status: criteria provided, single submitter. Criteria: Invitae Variant Classification Sherloc (09022015). Collection method: clinical testing. Allele origin: germline.
Comment: In summary, the available evidence is currently insufficient to determine the role of this variant in disease. Therefore, it has been classified as a Variant of Uncertain Significance. Algorithms developed to predict the effect of sequence changes on RNA splicing suggest that this variant may disrupt the consensus splice site. This variant has not been reported in the literature in individuals affected with SPG7-related conditions. This variant is not present in population databases (gnomAD no frequency). This sequence change falls in intron 9 of the SPG7 gene. It does not directly change the encoded amino acid sequence of the SPG7 protein.

NM_003119.4(SPG7):c.1324+7G>A

Gene: SPG7 (SPG7 matrix AAA peptidase subunit, paraplegin; plus strand). Cytogenetic location: 16q24.3.
Variant type: single nucleotide variant.
Coding change: c.1324+7G>A on transcript NM_003119.4 (MANE Select); 7 bases into the intron after coding-DNA position 1324, G replaced by A.
Molecular consequence: intron variant.
Genome position (GRCh38, 1-based): chr16:89,532,643, G>A. VCF-style: chr16-89532643-G-A. GRCh37 (hg19) VCF-style: chr16-89599051-G-A.
Other names: c.1324+7G>A (NM_001363850.1, NM_199367.3).
Identifiers: ClinVar variation 2808061 (VCV002808061.3), dbSNP rs2543767061, ClinGen allele CA2739266954.